The following is an entry in ClinVar:

NM_006031.6(PCNT):c.268-4T>C

Gene: PCNT (pericentrin; plus strand). Cytogenetic location: 21q22.3.
Variant type: single nucleotide variant.
Coding change: c.268-4T>C on transcript NM_006031.6 (MANE Select); 4 bases into the intron before coding-DNA position 268, T replaced by C.
Molecular consequence: intron variant.
Genome position (GRCh38, 1-based): chr21:46,334,393, T>C. VCF-style: chr21-46334393-T-C. GRCh37 (hg19) VCF-style: chr21-47754307-T-C.
Other names: c.-87-4T>C (NM_001315529.2).
Identifiers: ClinVar variation 709618 (VCV000709618.4), dbSNP rs1569162349, ClinGen allele CA915952731.
Genomic context (GRCh38, chr21:46,334,393, plus strand): 5'-AGGGCCTGAGGCTGCAGCCCTAGACCTTGCTTTAAATGCTTCTTTCTGGTCCTCCCCTTC[T>C]TAGCCGGAGGACTGTGATGGAGAGAAGAGAGAGGACTTGGAACAGCTGCAGCAGAAGCAA-3'

ClinVar aggregate classification (germline): Likely benign. Review status: criteria provided, multiple submitters, no conflicts (2 of 4 stars). 2 submissions from 2 submitters: Likely benign (2). Last evaluated 2026-05-28.

Conditions:
PCNT-related disorder. Also called: PCNT-related condition.

Allele frequency attached by ClinVar (database versions not stated): gnomAD exomes below 0.00001.
gnomAD v4.1: 2 of 1,614,162 alleles (0.00012%); highest among the groups gnomAD compares: Admixed American, 0.0017%; no homozygotes.

Submissions (2):

PreventionGenetics, part of Exact Sciences
Classification: Likely benign for PCNT-related condition. Last evaluated: 2026-05-28. Review status: criteria provided, single submitter. Criteria: ACMG Guidelines, 2015. Collection method: clinical testing. Allele origin: germline.
Comment: This variant is classified as likely benign based on ACMG/AMP sequence variant interpretation guidelines (Richards et al. 2015 PMID: 25741868, with internal and published modifications).

Labcorp Genetics (formerly Invitae), Labcorp
Classification: Likely benign. Last evaluated: 2017-09-18. Review status: criteria provided, single submitter. Criteria: Invitae Variant Classification Sherloc (09022015). Collection method: clinical testing. Allele origin: germline.